The following is an entry in ClinVar:

NM_024426.6(WT1):c.905T>A (p.Met302Lys)

Gene: WT1 (WT1 transcription factor; minus strand). Cytogenetic location: 11p13.
Variant type: single nucleotide variant.
Coding change: c.905T>A on transcript NM_024426.6 (MANE Select); coding-DNA position 905, T replaced by A.
Protein change: p.Met302Lys; replaces methionine 302 with lysine.
Molecular consequence: missense variant. On other transcripts: non-coding transcript variant (1).
Genome position (GRCh38, 1-based): chr11:32,417,637, A>T on the plus strand (T>A on the coding strand, the complement: WT1 is on the minus strand). VCF-style: chr11-32417637-A-T. GRCh37 (hg19) VCF-style: chr11-32439183-A-T.
Other names: c.905T>A, p.Met302Lys (NM_000378.6, NM_001407044.1, NM_001407045.1 and 4 more transcripts); c.254T>A, p.Met85Lys (NM_001198551.2, NM_001198552.2); c.782T>A, p.Met261Lys (NM_001407047.1, NM_001407050.1); c.143T>A, p.Met48Lys (NM_001407051.1); c.890T>A, p.Met297Lys (NM_024425.2); c.890T>A (NM_024426.4); short protein forms M85K, M302K, M297K, M48K, M261K.
Identifiers: ClinVar variation 1496157 (VCV001496157.8), dbSNP rs1208241960, ClinGen allele CA379962185.

ClinVar aggregate classification (germline): Uncertain significance. Review status: criteria provided, multiple submitters, no conflicts (2 of 4 stars). 3 submissions from 3 submitters: Uncertain significance (3). Last evaluated 2024-12-14.

Conditions:
Inborn genetic diseases. Identifiers: MedGen C0950123, MeSH D030342.
Frasier syndrome. Identifiers: Orphanet 347, MedGen C0950122, MeSH D052159, MONDO:0007635, OMIM 136680.
Drash syndrome (DDS). Also called: WILMS TUMOR AND PSEUDO- OR TRUE HERMAPHRODITISM; NEPHROPATHY, WILMS TUMOR, AND GENITAL ANOMALIES. Identifiers: Orphanet 220, MedGen C0950121, MONDO:0008682, OMIM 194080.
Wilms tumor 1 (WT1). Also called: Wilms tumor, somatic. Identifiers: Orphanet 654, MedGen CN033288, MONDO:0008679, OMIM 194070.
11p partial monosomy syndrome (WAGR). Also called: WAGR Complex; WAGR Spectrum Disorder; WAGR syndrome; CHROMOSOME 11p13 DELETION SYNDROME. Identifiers: Orphanet 893, MedGen C0206115, MONDO:0008681, OMIM 194072.

Submissions (3):

Ambry Genetics
Classification: Uncertain significance for Inborn genetic diseases. Last evaluated: 2024-12-14. Review status: criteria provided, single submitter. Criteria: Ambry Variant Classification Scheme 2023. Collection method: clinical testing. Allele origin: germline.
Comment: The p.M297K variant (also known as c.890T>A), located in coding exon 4 of the WT1 gene, results from a T to A substitution at nucleotide position 890. The methionine at codon 297 is replaced by lysine, an amino acid with similar properties. This amino acid position is conserved. In addition, this alteration is predicted to be deleterious by in silico analysis. Based on the available evidence, the clinical significance of this variant remains unclear.

Labcorp Genetics (formerly Invitae), Labcorp
Classification: Uncertain significance for Wilms tumor 1; Drash syndrome; 11p partial monosomy syndrome; Frasier syndrome. Last evaluated: 2023-09-20. Review status: criteria provided, single submitter. Criteria: Invitae Variant Classification Sherloc (09022015). Collection method: clinical testing. Allele origin: germline.
Comment: In summary, the available evidence is currently insufficient to determine the role of this variant in disease. Therefore, it has been classified as a Variant of Uncertain Significance. An algorithm developed to predict the effect of missense changes on protein structure and function (PolyPhen-2) suggests that this variant is likely to be disruptive. ClinVar contains an entry for this variant (Variation ID: 1496157). This variant has not been reported in the literature in individuals affected with WT1-related conditions. This variant is not present in population databases (gnomAD no frequency). This sequence change replaces methionine, which is neutral and non-polar, with lysine, which is basic and polar, at codon 297 of the WT1 protein (p.Met297Lys).

All of Us Research Program, National Institutes of Health
Classification: Uncertain significance for Wilms tumor 1. Last evaluated: 2023-08-15. Review status: criteria provided, single submitter. Criteria: ACMG Guidelines, 2015. Collection method: clinical testing. Allele origin: germline. Inheritance: Autosomal dominant inheritance. Observed: 1 variant allele, 1 heterozygote.
Comment: This study involves interpretation of variants in research participants for the purpose of population health screening. Participant phenotype was not available at the time of variant classification. Additional details can be found in publication PMID: 35346344, PMCID: PMC8962531